The following is an entry in ClinVar:

NM_006231.4(POLE):c.3245G>T (p.Arg1082Leu)

Gene: POLE (DNA polymerase epsilon, catalytic subunit; minus strand). Cytogenetic location: 12q24.33.
Variant type: single nucleotide variant.
Coding change: c.3245G>T on transcript NM_006231.4 (MANE Select); coding-DNA position 3245, G replaced by T.
Protein change: p.Arg1082Leu; replaces arginine 1082 with leucine.
Molecular consequence: missense variant.
Genome position (GRCh38, 1-based): chr12:132,659,325, C>A on the plus strand (G>T on the coding strand, the complement: POLE is on the minus strand). VCF-style: chr12-132659325-C-A. GRCh37 (hg19) VCF-style: chr12-133235911-C-A.
Other names: c.3245G>T (NM_006231.2); short protein forms R1082L.
Identifiers: ClinVar variation 1035032 (VCV001035032.18), dbSNP rs201744227, ClinGen allele CA387390355.

ClinVar aggregate classification (germline): Uncertain significance. Review status: criteria provided, multiple submitters, no conflicts (2 of 4 stars). 5 submissions from 5 submitters: Uncertain significance (5). Last evaluated 2025-03-26.

Conditions:
Hereditary cancer-predisposing syndrome. Also called: Hereditary neoplastic syndrome; Neoplastic Syndromes, Hereditary; Tumor predisposition; Hereditary Cancer Syndrome. Identifiers: Orphanet 140162, MedGen C0027672, MeSH D009386, MONDO:0015356.
Colorectal cancer, susceptibility to, 12 (CRCS12). Also called: COLORECTAL CANCER, SUSCEPTIBILITY TO, ON CHROMOSOME 12q24. Identifiers: Orphanet 220460, MedGen C3554460, MONDO:0014038, OMIM 615083.

gnomAD v4.1: 5 of 1,614,104 alleles (0.00031%); highest among the groups gnomAD compares: Non-Finnish European, 0.00042%; no homozygotes.

Submissions (5):

Labcorp Genetics (formerly Invitae), Labcorp
Classification: Uncertain significance. Last evaluated: 2025-03-26. Review status: criteria provided, single submitter. Criteria: Invitae Variant Classification Sherloc (09022015). Collection method: clinical testing. Allele origin: germline.
Comment: This sequence change replaces arginine, which is basic and polar, with leucine, which is neutral and non-polar, at codon 1082 of the POLE protein (p.Arg1082Leu). This variant is not present in population databases (gnomAD no frequency). This variant has not been reported in the literature in individuals affected with POLE-related conditions. ClinVar contains an entry for this variant (Variation ID: 1035032). Invitae Evidence Modeling of protein sequence and biophysical properties (such as structural, functional, and spatial information, amino acid conservation, physicochemical variation, residue mobility, and thermodynamic stability) indicates that this missense variant is not expected to disrupt POLE protein function with a negative predictive value of 80%. In summary, the available evidence is currently insufficient to determine the role of this variant in disease. Therefore, it has been classified as a Variant of Uncertain Significance.

Center for Genomic Medicine, Rigshospitalet, Copenhagen University Hospital
Classification: Uncertain significance. Last evaluated: 2025-03-04. Review status: criteria provided, single submitter. Criteria: ACMG Guidelines, 2015. Collection method: clinical testing. Allele origin: germline.

GeneDx
Classification: Uncertain significance. Last evaluated: 2023-07-23. Review status: criteria provided, single submitter. Criteria: GeneDx Variant Classification Process June 2021. Collection method: clinical testing. Allele origin: germline. Affected: yes.
Comment: Not observed at significant frequency in large population cohorts (gnomAD); In silico analysis supports that this missense variant has a deleterious effect on protein structure/function; Has not been previously published as pathogenic or benign to our knowledge

Ambry Genetics
Classification: Uncertain significance for Hereditary cancer-predisposing syndrome. Last evaluated: 2022-04-24. Review status: criteria provided, single submitter. Criteria: Ambry Variant Classification Scheme 2023. Collection method: clinical testing. Allele origin: germline.
Comment: The p.R1082L variant (also known as c.3245G>T), located in coding exon 26 of the POLE gene, results from a G to T substitution at nucleotide position 3245. The arginine at codon 1082 is replaced by leucine, an amino acid with dissimilar properties. This amino acid position is conserved. In addition, this alteration is predicted to be tolerated by in silico analysis. Since supporting evidence is limited at this time, the clinical significance of this alteration remains unclear.

New York Genome Center
Classification: Uncertain significance for Colorectal cancer, susceptibility to, 12. Last evaluated: 2021-05-28. Review status: criteria provided, single submitter. Criteria: NYGC Assertion Criteria 2020. Collection method: clinical testing. Allele origin: inherited. Observed: 1 heterozygote. Study: CSER-NYCKidSeq.